The following is an entry in ClinVar:

ClinVar aggregate classification (germline): Uncertain significance (1 of 4 stars; one submission).

Conditions:
Fanconi anemia complementation group O. Also called: RAD51C-Related Fanconi Anemia. Identifiers: Orphanet 84, MedGen C3150653, MONDO:0013248, OMIM 613390.

Submission:

Labcorp Genetics (formerly Invitae), Labcorp
Classification: Uncertain significance for Fanconi anemia complementation group O. Last evaluated: 2022-03-07. Review status: criteria provided, single submitter. Criteria: Invitae Variant Classification Sherloc (09022015). Collection method: clinical testing. Allele origin: germline.
Comment: In summary, the available evidence is currently insufficient to determine the role of this variant in disease. Therefore, it has been classified as a Variant of Uncertain Significance. Algorithms developed to predict the effect of missense changes on protein structure and function are either unavailable or do not agree on the potential impact of this missense change (SIFT: "Deleterious"; PolyPhen-2: "Possibly Damaging"; Align-GVGD: "Class C15"). ClinVar contains an entry for this variant (Variation ID: 1055129). This variant has not been reported in the literature in individuals affected with RAD51C-related conditions. This variant is not present in population databases (gnomAD no frequency). This sequence change replaces arginine, which is basic and polar, with leucine, which is neutral and non-polar, at codon 212 of the RAD51C protein (p.Arg212Leu).

NM_058216.3(RAD51C):c.635G>T (p.Arg212Leu)

Genes: RAD51C (RAD51 paralog C; plus strand), LOC129390903 (MPRA-validated peak2919 silencer; plus strand). Cytogenetic location: 17q22.
Variant type: single nucleotide variant.
Coding change: c.635G>T on transcript NM_058216.3 (MANE Select); coding-DNA position 635, G replaced by T.
Protein change: p.Arg212Leu; replaces arginine 212 with leucine.
Molecular consequence: missense variant. On other transcripts: non-coding transcript variant (1).
Genome position (GRCh38, 1-based): chr17:58,703,259, G>T. VCF-style: chr17-58703259-G-T. GRCh37 (hg19) VCF-style: chr17-56780620-G-T.
Other names: short protein forms R212L.
Identifiers: ClinVar variation 1055129 (VCV001055129.11), dbSNP rs200857129, ClinGen allele CA400349505.